The following is an entry in ClinVar:

NM_012293.3(PXDN):c.878G>A (p.Arg293His)

Gene: PXDN (peroxidasin; minus strand). Cytogenetic location: 2p25.3.
Variant type: single nucleotide variant.
Coding change: c.878G>A on transcript NM_012293.3 (MANE Select); coding-DNA position 878, G replaced by A.
Protein change: p.Arg293His; replaces arginine 293 with histidine.
Molecular consequence: missense variant.
Genome position (GRCh38, 1-based): chr2:1,673,783, C>T on the plus strand (G>A on the coding strand, the complement: PXDN is on the minus strand). VCF-style: chr2-1673783-C-T. GRCh37 (hg19) VCF-style: chr2-1677555-C-T.
Other names: short protein forms R293H.
Identifiers: ClinVar variation 3375566 (VCV003375566.1).

ClinVar aggregate classification (germline): Uncertain significance (1 of 4 stars; one submission).

gnomAD v4.1: 2 of 1,613,926 alleles (0.00012%); highest among the groups gnomAD compares: Non-Finnish European, 0.00017%; no homozygotes.

Submission:

GeneDx
Classification: Uncertain significance. Last evaluated: 2024-05-08. Review status: criteria provided, single submitter. Criteria: GeneDx Variant Classification Process June 2021. Collection method: clinical testing. Allele origin: germline. Affected: yes.
Comment: In silico analysis supports that this missense variant has a deleterious effect on protein structure/function; Has not been previously published as pathogenic or benign to our knowledge